The following is an entry in ClinVar:

NM_007294.4(BRCA1):c.2415T>A (p.Cys805Ter)

Gene: BRCA1 (BRCA1 DNA repair associated; minus strand). Cytogenetic location: 17q21.31.
Variant type: single nucleotide variant.
Coding change: c.2415T>A on transcript NM_007294.4 (MANE Select); coding-DNA position 2415, T replaced by A.
Protein change: p.Cys805Ter; replaces cysteine 805 with a stop codon.
Molecular consequence: nonsense. On other transcripts: intron variant (137).
Genome position (GRCh38, 1-based): chr17:43,093,116, A>T on the plus strand (T>A on the coding strand, the complement: BRCA1 is on the minus strand). VCF-style: chr17-43093116-A-T. GRCh37 (hg19) VCF-style: chr17-41245133-A-T.
Other names: c.2292T>A, p.Cys764Ter (NM_001407681.1, NM_001407682.1, NM_001407683.1 and 19 more transcripts); c.2415T>A, p.Cys805Ter (NM_001407684.1, NM_001407581.1, NM_001407582.1 and 30 more transcripts); c.2289T>A, p.Cys763Ter (NM_001407686.1, NM_001407687.1, NM_001407688.1 and 11 more transcripts); c.577+1628T>A (NM_001408492.1, NM_001408513.1, NM_001408489.1 and 9 more transcripts); c.643+1628T>A (NM_001408468.1, NM_001408465.1, NM_001408463.1 and 3 more transcripts); c.523+1628T>A (NM_001408501.1, NM_001408500.1, NM_001408497.1 and 3 more transcripts); c.2202T>A, p.Cys734Ter (NM_001407571.1, NM_001407853.1, NM_001407894.1 and 9 more transcripts); c.646+1628T>A (NM_001408455.1, NM_001408466.1, NM_001408452.1 and 11 more transcripts); and 41 more; short protein forms C758*, C805*, C637*, C678*, C716*, C509*, C735*, C738*.
Identifiers: ClinVar variation 821145 (VCV000821145.5), dbSNP rs1597870104, ClinGen allele CA10597178.

ClinVar aggregate classification (germline): Pathogenic (1 of 4 stars; one submission).

Conditions:
Hereditary cancer-predisposing syndrome. Also called: Neoplastic Syndromes, Hereditary; Tumor predisposition; Hereditary Cancer Syndrome; Hereditary neoplastic syndrome. Identifiers: Orphanet 140162, MedGen C0027672, MeSH D009386, MONDO:0015356.

Submission:

Ambry Genetics
Classification: Pathogenic for Hereditary cancer-predisposing syndrome. Last evaluated: 2019-09-17. Review status: criteria provided, single submitter. Criteria: Ambry Variant Classification Scheme 2023. Collection method: clinical testing. Allele origin: germline.
Comment: The p.C805* pathogenic mutation (also known as c.2415T>A), located in coding exon 9 of the BRCA1 gene, results from a T to A substitution at nucleotide position 2415. This changes the amino acid from a cysteine to a stop codon within coding exon 9. This alteration is expected to result in loss of function by premature protein truncation or nonsense-mediated mRNA decay. As such, this alteration is interpreted as a disease-causing mutation.